The following is an entry in ClinVar:

NM_025081.3(NYNRIN):c.776A>T (p.Lys259Met)

Gene: NYNRIN (NYN domain and retroviral integrase containing; plus strand). Cytogenetic location: 14q12.
Variant type: single nucleotide variant.
Coding change: c.776A>T on transcript NM_025081.3 (MANE Select); coding-DNA position 776, A replaced by T.
Protein change: p.Lys259Met; replaces lysine 259 with methionine.
Molecular consequence: missense variant.
Genome position (GRCh38, 1-based): chr14:24,408,446, A>T. VCF-style: chr14-24408446-A-T. GRCh37 (hg19) VCF-style: chr14-24877652-A-T.
Other names: c.776A>T (NM_025081.2); short protein forms K259M.
Identifiers: ClinVar variation 4056116 (VCV004056116.3).

ClinVar aggregate classification (germline): Uncertain significance. Review status: criteria provided, multiple submitters, no conflicts (2 of 4 stars). 2 submissions from 2 submitters: Uncertain significance (2). Last evaluated 2025-09-24.

Conditions:
Predisposition to Wilms tumor.

gnomAD v4.1: 53 of 1,612,962 alleles (0.0033%); highest among the groups gnomAD compares: Admixed American, 0.005%; no homozygotes.

Submissions (2):

Ambry Genetics
Classification: Uncertain significance. Last evaluated: 2025-09-24. Review status: criteria provided, single submitter. Criteria: Ambry Variant Classification Scheme 2023. Collection method: clinical testing. Allele origin: germline.

St. Jude Molecular Pathology, St. Jude Children's Research Hospital
Classification: Uncertain significance for Predisposition to Wilms tumor. Last evaluated: 2025-06-17. Review status: criteria provided, single submitter. Criteria: St. Jude Assertion Criteria 2020. Collection method: clinical testing. Allele origin: germline.
Comment: The NYNRIN c.776A>T p.(Lys259Met) missense change has a maximum subpopulation frequency of 0.006% in gnomAD v2.1.1. The in silico tool REVEL predicts a benign effect on protein function, but to our knowledge this prediction has not been confirmed by functional studies. To our knowledge, this variant has not been reported in individuals with Wilms tumor. In summary, the evidence currently available is insufficient to determine the clinical significance of this variant. It has therefore been classified as of uncertain significance.